The following is an entry in ClinVar:

ClinVar aggregate classification (germline): Pathogenic/Likely pathogenic. Review status: criteria provided, multiple submitters, no conflicts (2 of 4 stars). 3 submissions from 3 submitters: Pathogenic (2); Likely pathogenic (1). Last evaluated 2026-04-14.

Conditions:
Benign recurrent intrahepatic cholestasis type 1. Also called: SUMMERSKILL SYNDROME; Mild-to-Moderate ATP8B1 Deficiency (Benign Recurrent Intrahepatic Cholestasis 1 [BRIC1]). Identifiers: Orphanet 65682, Orphanet 99960, MedGen C4551899, MONDO:0009469, OMIM 243300.
Familial intrahepatic cholestasis. Identifiers: Orphanet 284385, MedGen CN296401, MONDO:0017290.

gnomAD v4.1: 4 of 1,613,060 alleles (0.00025%); highest among the groups gnomAD compares: Non-Finnish European, 0.00034%; no homozygotes.

Submissions (3):

Genomenon, Inc
Classification: Likely pathogenic for Familial intrahepatic cholestasis. Last evaluated: 2026-04-14. Review status: criteria provided, single submitter. Criteria: Genomenon Sequence Variant Interpretation Standards - Updated. Collection method: curation. Allele origin: germline. Affected: no.
Comment: ATP8B1 c.3400+2T>C is a canonical splice variant affecting the donor splice site of intron 26. It is predicted to affect mRNA splicing, leading to a deleterious effect on the ATP8B1 protein. This variant has been reported in the published literature (PMID:25737299). It is absent or not present at a significant frequency in gnomAD. In conclusion, we classify ATP8B1 c.3400+2T>C as a likely pathogenic variant.

Baylor Genetics
Classification: Pathogenic for Benign recurrent intrahepatic cholestasis type 1. Last evaluated: 2023-04-18. Review status: criteria provided, single submitter. Criteria: ACMG Guidelines, 2015. Collection method: clinical testing. Allele origin: unknown.

Labcorp Genetics (formerly Invitae), Labcorp
Classification: Pathogenic. Last evaluated: 2022-12-31. Review status: criteria provided, single submitter. Criteria: Invitae Variant Classification Sherloc (09022015). Collection method: clinical testing. Allele origin: germline.
Comment: This variant is not present in population databases (gnomAD no frequency). This sequence change affects a donor splice site in intron 26 of the ATP8B1 gene. It is expected to disrupt RNA splicing. Variants that disrupt the donor or acceptor splice site typically lead to a loss of protein function (PMID: 16199547), and loss-of-function variants in ATP8B1 are known to be pathogenic (PMID: 15239083, 22525741). For these reasons, this variant has been classified as Pathogenic. Studies have shown that disruption of this splice site alters mRNA splicing and is expected to lead to the loss of protein expression (PMID: 25421123). Disruption of this splice site has been observed in individual(s) with ATP8B1-related conditions (PMID: 25737299). In at least one individual the data is consistent with being in trans (on the opposite chromosome) from a pathogenic variant.

Literature cited by the submitters: PubMed 25737299 (cited by Genomenon, Inc and Labcorp Genetics (formerly Invitae), Labcorp); PubMed 16199547 (cited by Labcorp Genetics (formerly Invitae), Labcorp); PubMed 15239083 (cited by Labcorp Genetics (formerly Invitae), Labcorp); PubMed 22525741 (cited by Labcorp Genetics (formerly Invitae), Labcorp); PubMed 25421123 (cited by Labcorp Genetics (formerly Invitae), Labcorp).

NM_001374385.1(ATP8B1):c.3400+2T>C

Genes: ATP8B1 (ATPase phospholipid transporting 8B1; minus strand), ATP8B1-AS1 (ATP8B1 antisense RNA 1; plus strand). Cytogenetic location: 18q21.31.
Variant type: single nucleotide variant.
Coding change: c.3400+2T>C on transcript NM_001374385.1 (MANE Select); the canonical splice donor site of the intron after coding-DNA position 3400, T replaced by C.
Molecular consequence: splice donor variant.
Genome position (GRCh38, 1-based): chr18:57,652,032, A>G on the plus strand (T>C on the coding strand, the complement: ATP8B1 is on the minus strand). VCF-style: chr18-57652032-A-G. GRCh37 (hg19) VCF-style: chr18-55319264-A-G.
Other names: c.3400+2T>C (NM_005603.6); c.3250+2T>C (NM_001374386.1).
Identifiers: ClinVar variation 2679856 (VCV002679856.5), dbSNP rs950229238, ClinGen allele CA300865367.